The following is an entry in ClinVar:

ClinVar aggregate classification (germline): Uncertain significance (1 of 4 stars; one submission).

gnomAD v4.1: 8 of 1,610,278 alleles (0.0005%); highest among the groups gnomAD compares: Non-Finnish European, 0.00068%; no homozygotes.

Submission:

Labcorp Genetics (formerly Invitae), Labcorp
Classification: Uncertain significance. Last evaluated: 2024-10-26. Review status: criteria provided, single submitter. Criteria: Invitae Variant Classification Sherloc (09022015). Collection method: clinical testing. Allele origin: germline.
Comment: This sequence change replaces alanine, which is neutral and non-polar, with threonine, which is neutral and polar, at codon 243 of the CYC1 protein (p.Ala243Thr). This variant is not present in population databases (gnomAD no frequency). This variant has not been reported in the literature in individuals affected with CYC1-related conditions. ClinVar contains an entry for this variant (Variation ID: 1927607). Invitae Evidence Modeling of protein sequence and biophysical properties (such as structural, functional, and spatial information, amino acid conservation, physicochemical variation, residue mobility, and thermodynamic stability) indicates that this missense variant is not expected to disrupt CYC1 protein function with a negative predictive value of 80%. In summary, the available evidence is currently insufficient to determine the role of this variant in disease. Therefore, it has been classified as a Variant of Uncertain Significance.

NM_001916.5(CYC1):c.727G>A (p.Ala243Thr)

Gene: CYC1 (cytochrome c1; plus strand). Cytogenetic location: 8q24.3.
Variant type: single nucleotide variant.
Coding change: c.727G>A on transcript NM_001916.5 (MANE Select); coding-DNA position 727, G replaced by A.
Protein change: p.Ala243Thr; replaces alanine 243 with threonine.
Molecular consequence: missense variant.
Genome position (GRCh38, 1-based): chr8:144,096,699, G>A. VCF-style: chr8-144096699-G-A. GRCh37 (hg19) VCF-style: chr8-145151602-G-A.
Other names: short protein forms A243T.
Identifiers: ClinVar variation 1927607 (VCV001927607.4), dbSNP rs1018124526, ClinGen allele CA372525999.